The following is an entry in ClinVar:

ClinVar aggregate classification (germline): Benign. Review status: criteria provided, multiple submitters, no conflicts (2 of 4 stars). 4 submissions from 4 submitters: Benign (4). Last evaluated 2026-01-26.

Allele frequency attached by ClinVar (database versions not stated): gnomAD exomes 0.00161 and 0.00426; ExAC 0.00544; gnomAD 0.01694 and 0.01792; TOPMed 0.01895; ESP Exome Variant Server 0.01984; 1000 Genomes Project 0.02177; 1000 Genomes Project 30x 0.02436.
gnomAD v4.1: 5,045 of 1,614,022 alleles (0.31%); highest among the groups gnomAD compares: African/African-American, 5.9%; 152 homozygotes.

Submissions (4):

Labcorp Genetics (formerly Invitae), Labcorp
Classification: Benign. Last evaluated: 2026-01-26. Review status: criteria provided, single submitter. Criteria: Invitae Variant Classification Sherloc (09022015). Collection method: clinical testing. Allele origin: germline.

Mayo Clinic Laboratories, Mayo Clinic
Classification: Benign. Last evaluated: 2022-03-23. Review status: criteria provided, single submitter. Criteria: ACMG Guidelines, 2015. Collection method: clinical testing. Allele origin: germline. Observed: 23 variant alleles.

GeneDx
Classification: Benign. Last evaluated: 2014-03-31. Review status: criteria provided, single submitter. Criteria: GeneDx Variant Classification (06012015). Collection method: clinical testing. Allele origin: germline. Affected: yes.
Comment: This variant is considered likely benign or benign based on one or more of the following criteria: it is a conservative change, it occurs at a poorly conserved position in the protein, it is predicted to be benign by multiple in silico algorithms, and/or has population frequency not consistent with disease.

Breakthrough Genomics
Classification: Benign. Review status: criteria provided, single submitter. Criteria: ACMG Guidelines, 2015. Collection method: not provided. Allele origin: germline. Inheritance: Autosomal recessive inheritance. Affected: yes.

NM_138395.4(MARS2):c.471C>T (p.Arg157=)

Gene: MARS2 (methionyl-tRNA synthetase 2, mitochondrial; plus strand). Cytogenetic location: 2q33.1.
Variant type: single nucleotide variant.
Coding change: c.471C>T on transcript NM_138395.4 (MANE Select); coding-DNA position 471, C replaced by T.
Protein change: p.Arg157=; no amino-acid change (arginine 157 retained).
Molecular consequence: synonymous variant.
Genome position (GRCh38, 1-based): chr2:197,705,876, C>T. VCF-style: chr2-197705876-C-T. GRCh37 (hg19) VCF-style: chr2-198570600-C-T.
Other names: p.R157R:CGC>CGT; p.Arg157=.
Identifiers: ClinVar variation 138167 (VCV000138167.13), dbSNP rs35544931, ClinGen allele CA292007.